The following is an entry in ClinVar:

ClinVar aggregate classification (germline): Pathogenic. Review status: criteria provided, single submitter (1 of 4 stars). 2 submissions from 2 submitters: Pathogenic (1). 1 of the submissions does not count toward it. Last evaluated 2025-04-07.

Conditions:
Brachydactyly type E2 (BDE2). Identifiers: Orphanet 93387, MedGen C3150644, MONDO:0013244, OMIM 613382.

Submissions (2):

Women's Health and Genetics/Laboratory Corporation of America, LabCorp
Classification: Pathogenic for Brachydactyly type E2. Last evaluated: 2025-04-07. Review status: criteria provided, single submitter. Criteria: LabCorp Variant Classification Summary - May 2015. Collection method: clinical testing. Allele origin: germline.
Comment: Variant summary: PTHLH c.4C>T (p.Gln2X) results in a premature termination codon, predicted to cause a truncation of the encoded protein or absence of the protein due to nonsense mediated decay, which are commonly known mechanisms for disease. The variant was absent in 197262 control chromosomes. To our knowledge, no occurrence of c.4C>T in individuals affected with Brachydactyly Type E2 and no experimental evidence demonstrating its impact on protein function have been reported. No submitters have cited clinical-significance assessments for this variant to ClinVar. Based on the evidence outlined above, the variant was classified as pathogenic.

Eric Vilain Laboratory, University of California, Irvine
Classification: Likely pathogenic for Brachydactyly type E2. Review status: no assertion criteria provided. Collection method: research. Allele origin: unknown. Affected: yes. Not counted in ClinVar's aggregate classification.

NM_198965.2(PTHLH):c.4C>T (p.Gln2Ter)

Gene: PTHLH (parathyroid hormone like hormone; minus strand). Cytogenetic location: 12p11.22.
Variant type: single nucleotide variant.
Coding change: c.4C>T on transcript NM_198965.2 (MANE Select); coding-DNA position 4, C replaced by T.
Protein change: p.Gln2Ter; replaces glutamine 2 with a stop codon.
Molecular consequence: nonsense.
Genome position (GRCh38, 1-based): chr12:27,969,491, G>A on the plus strand (C>T on the coding strand, the complement: PTHLH is on the minus strand). VCF-style: chr12-27969491-G-A. GRCh37 (hg19) VCF-style: chr12-28122424-G-A.
Other names: c.4C>T, p.Gln2Ter (NM_002820.3, NM_198964.2, NM_198966.2); short protein forms Q2*.
Identifiers: ClinVar variation 3894530 (VCV003894530.2).